The following is an entry in ClinVar:

NM_000535.7(PMS2):c.499C>T (p.Pro167Ser)

Gene: PMS2 (PMS1 homolog 2, mismatch repair system component; minus strand). Cytogenetic location: 7p22.1.
Variant type: single nucleotide variant.
Coding change: c.499C>T on transcript NM_000535.7 (MANE Select); coding-DNA position 499, C replaced by T.
Protein change: p.Pro167Ser; replaces proline 167 with serine.
Molecular consequence: missense variant. On other transcripts: 5 prime UTR variant (2), non-coding transcript variant (1), intron variant (1).
Genome position (GRCh38, 1-based): chr7:6,002,491, G>A on the plus strand (C>T on the coding strand, the complement: PMS2 is on the minus strand). VCF-style: chr7-6002491-G-A. GRCh37 (hg19) VCF-style: chr7-6042122-G-A.
Other names: c.94C>T, p.Pro32Ser (NM_001018040.1, NM_001322003.2, NM_001322004.2 and 25 more transcripts); c.499C>T, p.Pro167Ser (NM_001322006.2, NM_001322014.2, NM_001406869.1 and 8 more transcripts); c.181C>T, p.Pro61Ser (NM_001322007.2, NM_001322008.2, NM_001406876.1 and 4 more transcripts); c.-386C>T (NM_001322011.2, NM_001322012.2); c.190C>T, p.Pro64Ser (NM_001322015.2, NM_001406875.1, NM_001406877.1 and 6 more transcripts); c.685C>T, p.Pro229Ser (NM_001406866.1); c.523C>T, p.Pro175Ser (NM_001406868.1); c.250+1481C>T (NM_001406885.1); short protein forms P175S, P32S, P61S, P64S, P167S, P229S.
Identifiers: ClinVar variation 2858751 (VCV002858751.3), dbSNP rs2128816325, ClinGen allele CA366744230.

ClinVar aggregate classification (germline): Uncertain significance (1 of 4 stars; one submission).

Conditions:
Hereditary nonpolyposis colorectal neoplasms. Identifiers: MedGen C0009405, MeSH D003123.

Allele frequency attached by ClinVar (database versions not stated): gnomAD exomes below 0.00001.
gnomAD v4.1: 1 of 1,611,458 alleles (0.000062%); highest among the groups gnomAD compares: Admixed American, 0.0017%; no homozygotes.

Submission:

Labcorp Genetics (formerly Invitae), Labcorp
Classification: Uncertain significance for Hereditary nonpolyposis colorectal neoplasms. Last evaluated: 2023-04-24. Review status: criteria provided, single submitter. Criteria: Invitae Variant Classification Sherloc (09022015). Collection method: clinical testing. Allele origin: germline.
Comment: In summary, the available evidence is currently insufficient to determine the role of this variant in disease. Therefore, it has been classified as a Variant of Uncertain Significance. Advanced modeling of protein sequence and biophysical properties (such as structural, functional, and spatial information, amino acid conservation, physicochemical variation, residue mobility, and thermodynamic stability) performed at Invitae indicates that this missense variant is expected to disrupt PMS2 protein function. This sequence change replaces proline, which is neutral and non-polar, with serine, which is neutral and polar, at codon 167 of the PMS2 protein (p.Pro167Ser). This variant is not present in population databases (gnomAD no frequency). This variant has not been reported in the literature in individuals affected with PMS2-related conditions.